The following is an entry in ClinVar:

ClinVar aggregate classification (germline): Uncertain significance (1 of 4 stars; one submission).

Submission:

Labcorp Genetics (formerly Invitae), Labcorp
Classification: Uncertain significance. Last evaluated: 2023-06-19. Review status: criteria provided, single submitter. Criteria: Invitae Variant Classification Sherloc (09022015). Collection method: clinical testing. Allele origin: germline.
Comment: This variant has not been reported in the literature in individuals affected with KIF20A-related conditions. An algorithm developed to predict the effect of missense changes on protein structure and function (PolyPhen-2) suggests that this variant is likely to be tolerated. In summary, the available evidence is currently insufficient to determine the role of this variant in disease. Therefore, it has been classified as a Variant of Uncertain Significance. This variant is not present in population databases (gnomAD no frequency). This sequence change replaces serine, which is neutral and polar, with alanine, which is neutral and non-polar, at codon 2 of the KIF20A protein (p.Ser2Ala).

NM_005733.3(KIF20A):c.4T>G (p.Ser2Ala)

Gene: KIF20A (kinesin family member 20A; plus strand). Cytogenetic location: 5q31.2.
Variant type: single nucleotide variant.
Coding change: c.4T>G on transcript NM_005733.3 (MANE Select); coding-DNA position 4, T replaced by G.
Protein change: p.Ser2Ala; replaces serine 2 with alanine.
Molecular consequence: missense variant.
Genome position (GRCh38, 1-based): chr5:138,179,684, T>G. VCF-style: chr5-138179684-T-G. GRCh37 (hg19) VCF-style: chr5-137515373-T-G.
Other names: short protein forms S2A.
Identifiers: ClinVar variation 2719225 (VCV002719225.3), dbSNP rs2482168537, ClinGen allele CA361111141.